The following is an entry in ClinVar:

ClinVar aggregate classification (germline): Pathogenic. Review status: reviewed by expert panel (3 of 4 stars). 16 submissions from 16 submitters: Pathogenic (1). 15 of the submissions do not count toward it. Last evaluated 2016-09-08.

Conditions:
Hereditary breast ovarian cancer syndrome. Also called: Hereditary breast and ovarian cancer syndrome; Hereditary breast and ovarian cancer; Hereditary breast and ovarian cancer syndrome (HBOC); Breast and ovarian cancer; Hereditary breast and/or ovarian cancer syndrome; BRCA1- and BRCA2-Associated Hereditary Breast and Ovarian Cancer. Identifiers: Orphanet 145, MedGen C0677776, MeSH D061325, MONDO:0003582. Disease mechanism: loss of function.
Familial cancer of breast. Also called: BREAST CANCER, FAMILIAL; Hereditary breast cancer; hereditary breast carcinoma. Identifiers: Orphanet 227535, MedGen C0346153, MONDO:0016419, OMIM 114480. Disease mechanism: loss of function.
BRCA2-related disorder. Also called: BRCA2-related condition; BRCA2-related disorders. Identifiers: MedGen CN239275.
Hereditary cancer-predisposing syndrome. Also called: Neoplastic Syndromes, Hereditary; Tumor predisposition; Hereditary neoplastic syndrome; Hereditary Cancer Syndrome. Identifiers: Orphanet 140162, MedGen C0027672, MeSH D009386, MONDO:0015356.
BRCA2-related cancer predisposition. Identifiers: MedGen CN377758, MONDO:0700269.
Breast-ovarian cancer, familial, susceptibility to, 2 (BROVCA2). Also called: BRCA2 Hereditary Breast and Ovarian Cancer. Identifiers: Orphanet 145, MedGen C2675520, MONDO:0012933, OMIM 612555. Disease mechanism: loss of function.

Submissions 1 to 9 of 16:

Evidence-based Network for the Interpretation of Germline Mutant Alleles (ENIGMA)
Classification: Pathogenic for Breast-ovarian cancer, familial, susceptibility to, 2. Last evaluated: 2016-09-08. Review status: reviewed by expert panel. Criteria: ENIGMA BRCA1/2 Classification Criteria (2015). Collection method: curation. Allele origin: germline.
Comment: Variant allele predicted to encode a truncated non-functional protein.

Labcorp Genetics (formerly Invitae), Labcorp
Classification: Pathogenic for Hereditary breast ovarian cancer syndrome. Last evaluated: 2026-01-13. Review status: criteria provided, single submitter. Criteria: Invitae Variant Classification Sherloc (09022015). Collection method: clinical testing. Allele origin: germline. Not counted in ClinVar's aggregate classification.
Comment: This sequence change creates a premature translational stop signal (p.Phe2254Tyrfs*6) in the BRCA2 gene. It is expected to result in an absent or disrupted protein product. Loss-of-function variants in BRCA2 are known to be pathogenic (PMID: 20104584). This variant is not present in population databases (gnomAD no frequency). This premature translational stop signal has been observed in individual(s) with breast cancer (PMID: 28814288). ClinVar contains an entry for this variant (Variation ID: 52178). For these reasons, this variant has been classified as Pathogenic.

Color Diagnostics, LLC DBA Color Health
Classification: Pathogenic for Hereditary cancer-predisposing syndrome. Last evaluated: 2025-12-15. Review status: criteria provided, single submitter. Criteria: ACMG Guidelines, 2015. Collection method: clinical testing. Allele origin: germline. Not counted in ClinVar's aggregate classification.
Comment: This variant deletes 2 nucleotides in exon 11 of the BRCA2 gene, creating a frameshift and premature translation stop signal. This variant is expected to result in an absent or non-functional protein product. This variant has been reported in individuals with a personal or family history of breast and/or ovarian cancer (PMID: 26915939, 29446198, 32438681, 33471991Leiden Open Variation Database DB-ID BRCA2_003470). A multifactorial analysis has reported a likelihood ratio of 2.6161 based on breast cancer case-control data (PMID: 40413188). This variant has not been identified in the general population by the Genome Aggregation Database (gnomAD). Loss of BRCA2 function is a known mechanism of disease. Based on the available evidence, this variant is classified as Pathogenic.

Ambry Genetics
Classification: Pathogenic for Hereditary cancer-predisposing syndrome. Last evaluated: 2024-11-29. Review status: criteria provided, single submitter. Criteria: Ambry Variant Classification Scheme 2023. Collection method: clinical testing. Allele origin: germline. Not counted in ClinVar's aggregate classification.
Comment: The c.6761_6762delTT pathogenic mutation, located in coding exon 10 of the BRCA2 gene, results from a deletion of two nucleotides at nucleotide positions 6761 to 6762, causing a translational frameshift with a predicted alternate stop codon (p.F2254Yfs*6). This variant has been reported in several individuals and/or families with Hereditary Breast and Ovarian Cancer syndrome (Seymour HJ et al. S Afr Med J, 2016 Feb;106:264-7; Elimam AA et al. BMC Med. Genet., 2017 08;18:85; Rebbeck TR et al. Hum Mutat, 2018 05;39:593-620; Santonocito C et al. Cancers (Basel), 2020 May;12:). This variant is considered to be rare based on population cohorts in the Genome Aggregation Database (gnomAD). In addition to the clinical data presented in the literature, this alteration is expected to result in loss of function by premature protein truncation or nonsense-mediated mRNA decay. As such, this alteration is interpreted as a disease-causing mutation.

GeneDx
Classification: Pathogenic. Last evaluated: 2024-06-12. Review status: criteria provided, single submitter. Criteria: GeneDx Variant Classification Process June 2021. Collection method: clinical testing. Allele origin: germline. Affected: yes. Not counted in ClinVar's aggregate classification.
Comment: Frameshift variant predicted to result in protein truncation or nonsense mediated decay in a gene for which loss-of-function is a known mechanism of disease; Truncating variants in this gene are considered pathogenic by a well-established clinical consortium and/or database; Not observed at significant frequency in large population cohorts (gnomAD); Also known as 6758_6759del, 6989delTT; This variant is associated with the following publications: (PMID: 26915939, 28814288, 31447099, 31948886, 30787465, 28831036, 29446198, 28525389, 29922827, 32438681)

All of Us Research Program, National Institutes of Health
Classification: Pathogenic for BRCA2-related cancer predisposition. Last evaluated: 2024-05-10. Review status: criteria provided, single submitter. Criteria: ACMG Guidelines, 2015. Collection method: clinical testing. Allele origin: germline. Inheritance: Autosomal dominant inheritance. Observed: 1 variant allele, 1 heterozygote. Not counted in ClinVar's aggregate classification.
Comment: The c.6761_6762del (p.Phe2254Tyrfs*6) variant in the BRCA2 gene is located on the exon 11 and is predicted to cause shift of reading frame that introduces a premature translation termination codon (p.Phe2254Tyrfs*6), resulting in an absent or disrupted protein product. The variant has been reported in individuals with breast/ovarian/pancreatic cancer (PMID: 26915939, 32438681, 29922827). Other premature termination codon variants located in the same exon (p.Gln2160*, p.Cys2256*) have been reviewed as pathogenic (ClinVar ID: 266950, 52180). Loss-of-function variants in the BRCA2 gene are known to be pathogenic (PMID: 8988179, 11897832, 29446198). The variant is reported in ClinVar (ID: 52178) and interpreted as pathogenic by the expert panel. The variant is not observed in the general population according to gnomAD. Therefore, the c.6761_6762del (p.Phe2254Tyrfs*6) variant in the BRCA2 gene has been classified as pathogenic.

This study involves interpretation of variants in research participants for the purpose of population health screening. Participant phenotype was not available at the time of variant classification. Additional details can be found in publication PMID: 35346344, PMCID: PMC8962531

Quest Diagnostics Nichols Institute San Juan Capistrano
Classification: Pathogenic. Last evaluated: 2023-12-12. Review status: criteria provided, single submitter. Criteria: Quest Diagnostics criteria. Collection method: clinical testing. Allele origin: unknown. Not counted in ClinVar's aggregate classification.
Comment: The BRCA2 c.6761_6762del (p.Phe2254Tyrfs*6) variant alters the translational reading frame of the BRCA2 mRNA and causes the premature termination of BRCA2 protein synthesis. This variant has been reported in the published literature in individuals/families affected with breast and/or ovarian cancer (PMIDs: 26915939 (2016), 28525389 (2017), 28831036 (2017), 32438681 (2020)) and pancreatic cancer (PMID: 29922827 (2018)). This variant has not been reported in large, multi-ethnic general populations (Genome Aggregation Database). Based on the available information, this variant is classified as pathogenic.

Baylor Genetics
Classification: Pathogenic for Familial cancer of breast. Last evaluated: 2023-12-08. Review status: criteria provided, single submitter. Criteria: ACMG Guidelines, 2015. Collection method: clinical testing. Allele origin: unknown. Not counted in ClinVar's aggregate classification.

National Health Laboratory Service, Universitas Academic Hospital and University of the Free State
Classification: Pathogenic for Hereditary breast ovarian cancer syndrome. Last evaluated: 2022-04-19. Review status: criteria provided, single submitter. Criteria: ACMG Guidelines, 2015. Collection method: clinical testing. Allele origin: germline. Affected: yes. Observed: 1 variant allele. Not counted in ClinVar's aggregate classification.

NM_000059.4(BRCA2):c.6761_6762del (p.Phe2254fs)

Gene: BRCA2 (BRCA2 DNA repair associated; plus strand). Cytogenetic location: 13q13.1.
Variant type: Deletion.
Coding change: c.6761_6762del on transcript NM_000059.4 (MANE Select); coding-DNA positions 6761 to 6762, 2 bases deleted (TT; older notation c.6761_6762delTT).
Protein change: p.Phe2254fs; shifts the reading frame from phenylalanine 2254.
Molecular consequence: frameshift variant.
Genome position (GRCh38, 1-based): chr13:32,341,116-32,341,117, TT deleted; deleting any 2 consecutive bases within chr13:32,341,113-32,341,117 gives the same sequence; the c. name uses the placement nearest the transcript's 3' end. VCF-style (leftmost placement, unchanged base first): chr13-32341112-CTT-C. GRCh37 (hg19) VCF-style: chr13-32915249-CTT-C.
Other names: 6989delTT; NP_000050.3:p.Phe2254TyrfsTer6; c.6761_6762delTT (NM_000059.3).
Identifiers: ClinVar variation 52178 (VCV000052178.38), dbSNP rs80359624, ClinGen allele CA024383.
Genomic context (GRCh38, chr13:32,341,112, plus strand): 5'-GCTTTTATGGAAGATGATGAACTGACAGATTCTAAACTGCCAAGTCATGCCACACATTCT[CTT>C]TTTACATGTCCCGAAAATGAGGAAATGGTTTTGTCAAATTCAAGAATTGGAAAAAGAAGA-3'